The following is an entry in ClinVar:

NM_014846.4(WASHC5):c.194A>C (p.Glu65Ala)

Gene: WASHC5 (WASH complex subunit 5; minus strand). Cytogenetic location: 8q24.13.
Variant type: single nucleotide variant.
Coding change: c.194A>C on transcript NM_014846.4 (MANE Select); coding-DNA position 194, A replaced by C.
Protein change: p.Glu65Ala; replaces glutamic acid 65 with alanine.
Molecular consequence: missense variant. On other transcripts: 5 prime UTR variant (1).
Genome position (GRCh38, 1-based): chr8:125,083,251, T>G on the plus strand (A>C on the coding strand, the complement: WASHC5 is on the minus strand). VCF-style: chr8-125083251-T-G. GRCh37 (hg19) VCF-style: chr8-126095493-T-G.
Other names: c.-251A>C (NM_001330609.2); short protein forms E65A.
Identifiers: ClinVar variation 3898453 (VCV003898453.7).

ClinVar aggregate classification (germline): Uncertain significance (1 of 4 stars; one submission).

Submission:

CeGaT Center for Human Genetics Tuebingen
Classification: Uncertain significance. Last evaluated: 2025-04-01. Review status: criteria provided, single submitter. Criteria: CeGaT Center For Human Genetics Tuebingen Variant Classification Criteria Version 2. Collection method: clinical testing. Allele origin: germline. Affected: yes. Observed: 1 variant allele.
Comment: WASHC5: PM2